The following is an entry in ClinVar:

ClinVar aggregate classification (germline): Likely pathogenic (1 of 4 stars; one submission).

Conditions:
Neurodevelopmental disorder with hypotonia and cerebellar atrophy, with or without seizures. Also called: GLYCOSYLPHOSPHATIDYLINOSITOL BIOSYNTHESIS DEFECT 22. Identifiers: MedGen C5394372, MONDO:0030037, OMIM 618879.

gnomAD v4.1: 29 of 1,605,538 alleles (0.0018%); highest among the groups gnomAD compares: Admixed American, 0.0033%; no homozygotes.

Submission:

3billion
Classification: Likely pathogenic for Neurodevelopmental disorder with hypotonia and cerebellar atrophy, with or without seizures. Last evaluated: 2025-09-15. Review status: criteria provided, single submitter. Criteria: ACMG Guidelines, 2015. Collection method: clinical testing. Allele origin: germline. Affected: yes.
Comment: The variant is observed at an extremely low frequency in the gnomAD v4.1.0 dataset (total allele frequency: 0.002%). Predicted Consequence/Location: Stop-gained (nonsense): predicted to result in a loss or disruption of normal protein function through nonsense-mediated decay (NMD) or protein truncation. Multiple pathogenic variants are reported downstream of the variant. The variant has been reported as of uncertain significance (PMID: 31345219). Therefore, this variant is classified as Likely pathogenic according to the recommendation of ACMG/AMP guideline.

NM_005482.3(PIGK):c.160C>T (p.Arg54Ter)

Gene: PIGK (phosphatidylinositol glycan anchor biosynthesis class K; minus strand). Cytogenetic location: 1p31.1.
Variant type: single nucleotide variant.
Coding change: c.160C>T on transcript NM_005482.3 (MANE Select); coding-DNA position 160, C replaced by T.
Protein change: p.Arg54Ter; replaces arginine 54 with a stop codon.
Molecular consequence: nonsense.
Genome position (GRCh38, 1-based): chr1:77,206,719, G>A on the plus strand (C>T on the coding strand, the complement: PIGK is on the minus strand). VCF-style: chr1-77206719-G-A. GRCh37 (hg19) VCF-style: chr1-77672404-G-A.
Other names: short protein forms R54*.
Identifiers: ClinVar variation 4854200 (VCV004854200.1).